The following is an entry in ClinVar:

NC_000018.9:g.(?_28654629)_(28673626_?)dup

Gene: DSC2 (desmocollin 2; minus strand). Cytogenetic location: 18q12.1.
Variant type: Duplication.
Identifiers: ClinVar variation 536290 (VCV000536290.9).

ClinVar aggregate classification (germline): Pathogenic (1 of 4 stars; one submission).

Conditions:
Arrhythmogenic right ventricular dysplasia 11. Also called: Arrhythmogenic right ventricular dysplasia 11 with mild palmoplantar keratoderma and woolly hair; Arrhythmogenic Right Ventricular Dysplasia/Cardiomyopathy11; ARRHYTHMOGENIC RIGHT VENTRICULAR DYSPLASIA, FAMILIAL, 11. Identifiers: MedGen C1864850, MONDO:0012506, OMIM 610476.

Submission:

Labcorp Genetics (formerly Invitae), Labcorp
Classification: Pathogenic for Arrhythmogenic right ventricular dysplasia 11. Last evaluated: 2022-06-19. Review status: criteria provided, single submitter. Criteria: Invitae Variant Classification Sherloc (09022015). Collection method: clinical testing. Allele origin: germline.
Comment: This variant results in a copy number gain of the genomic region encompassing exon(s) 2-13 of the DSC2 gene. While the exact position of this variant cannot be determined from the data, sub-genic copy number gains are generally in tandem (PMID: 25640679). This variant is predicted to be out-of-frame, and may result in an absent or disrupted protein product. Loss-of-function variants in DSC2 are known to be pathogenic (PMID: 23911551). For these reasons, this variant has been classified as Pathogenic. This variant has not been reported in the literature in individuals affected with DSC2-related conditions.

Literature cited by the submitters: PubMed 25640679; PubMed 23911551.